The following is an entry in ClinVar:

NM_007215.4(POLG2):c.677A>T (p.Asn226Ile)

Genes: MILR1 (mast cell immunoglobulin like receptor 1; plus strand), POLG2 (DNA polymerase gamma 2, accessory subunit; minus strand). Cytogenetic location: 17q23.3.
Variant type: single nucleotide variant.
Coding change: c.677A>T on transcript NM_007215.4 (MANE Select); coding-DNA position 677, A replaced by T.
Protein change: p.Asn226Ile; replaces asparagine 226 with isoleucine.
Molecular consequence: missense variant.
Genome position (GRCh38, 1-based): chr17:64,492,907, T>A on the plus strand (A>T on the coding strand, the complement: POLG2 is on the minus strand). VCF-style: chr17-64492907-T-A. GRCh37 (hg19) VCF-style: chr17-62489024-T-A.
Other names: short protein forms N226I.
Identifiers: ClinVar variation 2016232 (VCV002016232.4), dbSNP rs2038087248, ClinGen allele CA400639375.
Genomic context (GRCh38, chr17:64,492,907, plus strand): 5'-TTTTTGACTATTTAAATACAAGGCCAAGTTATTTGCCACTTTTTATACCTTTTAACACCA[T>A]TTCGTATCTGCTTAGTGTCAAAAACAGGATGAAAACACACTCCAATCTGAGCAAGGCCAT-3'
Protein context (NP_009146.2, residues 216-236): HPVFDTKQIR[Asn226Ile]GVKSIGEKTE

ClinVar aggregate classification (germline): Uncertain significance (1 of 4 stars; one submission).

Submission:

Labcorp Genetics (formerly Invitae), Labcorp
Classification: Uncertain significance. Last evaluated: 2022-07-11. Review status: criteria provided, single submitter. Criteria: Invitae Variant Classification Sherloc (09022015). Collection method: clinical testing. Allele origin: germline.
Comment: In summary, the available evidence is currently insufficient to determine the role of this variant in disease. Therefore, it has been classified as a Variant of Uncertain Significance. Algorithms developed to predict the effect of missense changes on protein structure and function (SIFT, PolyPhen-2, Align-GVGD) all suggest that this variant is likely to be tolerated. This variant has not been reported in the literature in individuals affected with POLG2-related conditions. This variant is not present in population databases (gnomAD no frequency). This sequence change replaces asparagine, which is neutral and polar, with isoleucine, which is neutral and non-polar, at codon 226 of the POLG2 protein (p.Asn226Ile).